The following is an entry in ClinVar:

NM_002334.4(LRP4):c.3641A>G (p.Asn1214Ser)

Gene: LRP4 (LDL receptor related protein 4; minus strand). Cytogenetic location: 11p11.2.
Variant type: single nucleotide variant.
Coding change: c.3641A>G on transcript NM_002334.4 (MANE Select); coding-DNA position 3641, A replaced by G.
Protein change: p.Asn1214Ser; replaces asparagine 1214 with serine.
Molecular consequence: missense variant.
Genome position (GRCh38, 1-based): chr11:46,875,862, T>C on the plus strand (A>G on the coding strand, the complement: LRP4 is on the minus strand). VCF-style: chr11-46875862-T-C. GRCh37 (hg19) VCF-style: chr11-46897413-T-C.
Other names: short protein forms N1214S.
Identifiers: ClinVar variation 1009354 (VCV001009354.8), dbSNP rs1941000568, ClinGen allele CA380273155.

ClinVar aggregate classification (germline): Uncertain significance (1 of 4 stars; one submission).

Conditions:
Congenital myasthenic syndrome 17. Identifiers: Orphanet 590, MedGen C4225377, MONDO:0014578, OMIM 616304.
Sclerosteosis 2 (SOST2). Identifiers: Orphanet 3152, MedGen C3280402, MONDO:0013679, OMIM 614305.
Cenani-Lenz syndactyly syndrome. Also called: SYNDACTYLY, TYPE VII; CENANI SYNDACTYLISM. Identifiers: Orphanet 3258, MedGen C1859309, MONDO:0008931, OMIM 212780.

Submission:

Labcorp Genetics (formerly Invitae), Labcorp
Classification: Uncertain significance for Cenani-Lenz syndactyly syndrome; Sclerosteosis 2; Congenital myasthenic syndrome 17. Last evaluated: 2022-03-18. Review status: criteria provided, single submitter. Criteria: Invitae Variant Classification Sherloc (09022015). Collection method: clinical testing. Allele origin: germline.
Comment: In summary, the available evidence is currently insufficient to determine the role of this variant in disease. Therefore, it has been classified as a Variant of Uncertain Significance. Algorithms developed to predict the effect of missense changes on protein structure and function (SIFT, PolyPhen-2, Align-GVGD) all suggest that this variant is likely to be disruptive. ClinVar contains an entry for this variant (Variation ID: 1009354). This variant has not been reported in the literature in individuals affected with LRP4-related conditions. This variant is not present in population databases (gnomAD no frequency). This sequence change replaces asparagine, which is neutral and polar, with serine, which is neutral and polar, at codon 1214 of the LRP4 protein (p.Asn1214Ser).